The following is an entry in ClinVar:

ClinVar aggregate classification (germline): Uncertain significance (1 of 4 stars; one submission).

Allele frequency attached by ClinVar (database versions not stated): gnomAD exomes below 0.00001.
gnomAD v4.1: 2 of 1,613,622 alleles (0.00012%); highest among the groups gnomAD compares: Non-Finnish European, 0.000085%; no homozygotes.

Submission:

Labcorp Genetics (formerly Invitae), Labcorp
Classification: Uncertain significance. Last evaluated: 2022-07-25. Review status: criteria provided, single submitter. Criteria: Invitae Variant Classification Sherloc (09022015). Collection method: clinical testing. Allele origin: germline.
Comment: This sequence change replaces lysine, which is basic and polar, with asparagine, which is neutral and polar, at codon 62 of the IMPG2 protein (p.Lys62Asn). This variant is not present in population databases (gnomAD no frequency). This variant has not been reported in the literature in individuals affected with IMPG2-related conditions. ClinVar contains an entry for this variant (Variation ID: 1372921). Algorithms developed to predict the effect of missense changes on protein structure and function output the following: SIFT: "Tolerated"; PolyPhen-2: "Benign"; Align-GVGD: "Class C0". The asparagine amino acid residue is found in multiple mammalian species, which suggests that this missense change does not adversely affect protein function. In summary, the available evidence is currently insufficient to determine the role of this variant in disease. Therefore, it has been classified as a Variant of Uncertain Significance.

NM_016247.4(IMPG2):c.186G>T (p.Lys62Asn)

Gene: IMPG2 (interphotoreceptor matrix proteoglycan 2; minus strand). Cytogenetic location: 3q12.3.
Variant type: single nucleotide variant.
Coding change: c.186G>T on transcript NM_016247.4 (MANE Select); coding-DNA position 186, G replaced by T.
Protein change: p.Lys62Asn; replaces lysine 62 with asparagine.
Molecular consequence: missense variant.
Genome position (GRCh38, 1-based): chr3:101,319,732, C>A on the plus strand (G>T on the coding strand, the complement: IMPG2 is on the minus strand). VCF-style: chr3-101319732-C-A. GRCh37 (hg19) VCF-style: chr3-101038576-C-A.
Other names: short protein forms K62N.
Identifiers: ClinVar variation 1372921 (VCV001372921.3), dbSNP rs909700875, ClinGen allele CA79728688.
Genomic context (GRCh38, chr3:101,319,732, plus strand): 5'-AGATCTCCGCCTTCTGATTAACCACTGTCTTTCAGTTTCTCTGCGGTCCAGAGGCTGTTT[C>A]TTTTTGGTAGCTAGAGAAAGGTCTGTTGATTCTTCAGGCAGGAGAAAAGAAACTGCACTC-3'
Protein context (NP_057331.2, residues 52-72): ESTDLSLATK[Lys62Asn]KQPLDRRETE